The following is an entry in ClinVar:

ClinVar aggregate classification (germline): Pathogenic (1 of 4 stars; one submission).

Conditions:
Developmental and epileptic encephalopathy, 31A. Also called: Epileptic encephalopathy, early infantile, 31; Developmental and epileptic encephalopathy, 31. Identifiers: Orphanet 2382, MedGen C4225357, MONDO:0014598, OMIM 616346.

Submission:

Labcorp Genetics (formerly Invitae), Labcorp
Classification: Pathogenic for Developmental and epileptic encephalopathy, 31A. Last evaluated: 2024-02-06. Review status: criteria provided, single submitter. Criteria: Invitae Variant Classification Sherloc (09022015). Collection method: clinical testing. Allele origin: germline.
Comment: This sequence change creates a premature translational stop signal (p.Tyr125*) in the DNM1 gene. It is expected to result in an absent or disrupted protein product. Loss-of-function variants in DNM1 are known to be pathogenic (PMID: 34172529). This variant is not present in population databases (gnomAD no frequency). This variant has not been reported in the literature in individuals affected with DNM1-related conditions. For these reasons, this variant has been classified as Pathogenic.

Literature cited by the submitters: PubMed 34172529.

NM_004408.4(DNM1):c.375C>G (p.Tyr125Ter)

Genes: DNM1 (dynamin 1; plus strand), LOC113839516 (Sharpr-MPRA regulatory region 8497; plus strand). Cytogenetic location: 9q34.11.
Variant type: single nucleotide variant.
Coding change: c.375C>G on transcript NM_004408.4 (MANE Select); coding-DNA position 375, C replaced by G.
Protein change: p.Tyr125Ter; replaces tyrosine 125 with a stop codon.
Molecular consequence: nonsense.
Genome position (GRCh38, 1-based): chr9:128,218,721, C>G. VCF-style: chr9-128218721-C-G. GRCh37 (hg19) VCF-style: chr9-130981000-C-G.
Other names: c.375C>G, p.Tyr125Ter (NM_001005336.3, NM_001288737.2, NM_001288738.2 and 2 more transcripts); short protein forms Y125*.
Identifiers: ClinVar variation 3698462 (VCV003698462.2).
Genomic context (GRCh38, chr9:128,218,721, plus strand): 5'-CGACAGGGTCACCGGCACCAACAAGGGCATCTCGCCGGTGCCTATCAACCTCCGCGTCTA[C>G]TCGCCGCACGGTGAGGACCCTGGCCCCGCCCTAACCTCTAAGAATCATTTTCTTGGCCAC-3'